The following is an entry in ClinVar:

NM_001253852.3(AP4B1):c.388_389dup (p.Asp131fs)

Gene: AP4B1 (adaptor related protein complex 4 subunit beta 1; minus strand). Cytogenetic location: 1p13.2.
Variant type: Duplication.
Coding change: c.388_389dup on transcript NM_001253852.3 (MANE Select); coding-DNA positions 388 to 389, 2 bases duplicated (CG; older notation c.388_389dupCG).
Protein change: p.Asp131fs; shifts the reading frame from aspartic acid 131.
Molecular consequence: frameshift variant. On other transcripts: intron variant (1).
Genome position (GRCh38, 1-based): chr1:113,901,835-113,901,836, CG duplicated on the plus strand (CG on the coding strand, the reverse complement: AP4B1 is on the minus strand); duplicating any 2 consecutive bases within chr1:113,901,835-113,901,837 gives the same sequence; the c. name uses the placement nearest the transcript's 3' end. VCF-style (leftmost placement, unchanged base first): chr1-113901834-C-CCG. GRCh37 (hg19) VCF-style: chr1-114444456-C-CCG.
Other names: c.91_92dup, p.Asp32fs (NM_001253853.3); c.388_389dup, p.Asp131fs (NM_006594.5); c.114-1436_114-1435dup (NM_001308312.2); short protein forms D131fs, D32fs.
Identifiers: ClinVar variation 2008841 (VCV002008841.4), dbSNP rs2526632804, ClinGen allele CA2580060836.

ClinVar aggregate classification (germline): Pathogenic (1 of 4 stars; one submission).

Conditions:
Hereditary spastic paraplegia 47. Also called: Spastic paraplegia 47, autosomal recessive; CEREBRAL PALSY, SPASTIC QUADRIPLEGIC, 5; adaptor protein 4 (AP-4) deficiency syndrome. Identifiers: Orphanet 280763, MedGen C3279738, MONDO:0013551, OMIM 614066.

Submission:

Labcorp Genetics (formerly Invitae), Labcorp
Classification: Pathogenic for Hereditary spastic paraplegia 47. Last evaluated: 2022-06-22. Review status: criteria provided, single submitter. Criteria: Invitae Variant Classification Sherloc (09022015). Collection method: clinical testing. Allele origin: germline.
Comment: This sequence change creates a premature translational stop signal (p.Asp131Glyfs*27) in the AP4B1 gene. It is expected to result in an absent or disrupted protein product. Loss-of-function variants in AP4B1 are known to be pathogenic (PMID: 22290197, 24700674, 24781758). This variant is not present in population databases (gnomAD no frequency). For these reasons, this variant has been classified as Pathogenic. This variant has not been reported in the literature in individuals affected with AP4B1-related conditions.

Literature cited by the submitters: PubMed 22290197; PubMed 24700674; PubMed 24781758.